The following is an entry in ClinVar:

NM_015466.4(PTPN23):c.2355C>A (p.His785Gln)

Gene: PTPN23 (protein tyrosine phosphatase non-receptor type 23; plus strand). Cytogenetic location: 3p21.31.
Variant type: single nucleotide variant.
Coding change: c.2355C>A on transcript NM_015466.4 (MANE Select); coding-DNA position 2355, C replaced by A.
Protein change: p.His785Gln; replaces histidine 785 with glutamine.
Molecular consequence: missense variant.
Genome position (GRCh38, 1-based): chr3:47,410,153, C>A. VCF-style: chr3-47410153-C-A. GRCh37 (hg19) VCF-style: chr3-47451643-C-A.
Other names: c.1977C>A, p.His659Gln (NM_001304482.2); short protein forms H785Q, H659Q.
Identifiers: ClinVar variation 2229962 (VCV002229962.2), dbSNP rs772840078, ClinGen allele CA352558432.

ClinVar aggregate classification (germline): Uncertain significance (1 of 4 stars; one submission).

Conditions:
Inborn genetic diseases. Identifiers: MedGen C0950123, MeSH D030342.

Submission:

Ambry Genetics
Classification: Uncertain significance for Inborn genetic diseases. Last evaluated: 2021-03-19. Review status: criteria provided, single submitter. Criteria: Ambry Variant Classification Scheme 2023. Collection method: clinical testing. Allele origin: germline.
Comment: The c.2355C>A (p.H785Q) alteration is located in exon 20 (coding exon 20) of the PTPN23 gene. This alteration results from a C to A substitution at nucleotide position 2355, causing the histidine (H) at amino acid position 785 to be replaced by a glutamine (Q). The p.H785Q alteration is predicted to be tolerated by in silico analysis. Based on insufficient or conflicting evidence, the clinical significance of this alteration remains unclear.